The following is an entry in ClinVar:

NM_002907.4(RECQL):c.1636A>T (p.Ile546Phe)

Gene: RECQL (RecQ like helicase; minus strand). Cytogenetic location: 12p12.1.
Variant type: single nucleotide variant.
Coding change: c.1636A>T on transcript NM_002907.4 (MANE Select); coding-DNA position 1636, A replaced by T.
Protein change: p.Ile546Phe; replaces isoleucine 546 with phenylalanine.
Molecular consequence: missense variant.
Genome position (GRCh38, 1-based): chr12:21,471,459, T>A on the plus strand (A>T on the coding strand, the complement: RECQL is on the minus strand). VCF-style: chr12-21471459-T-A. GRCh37 (hg19) VCF-style: chr12-21624393-T-A.
Other names: c.1636A>T, p.Ile546Phe (NM_032941.3); short protein forms I546F.
Identifiers: ClinVar variation 1776933 (VCV001776933.2), dbSNP rs764913480, ClinGen allele CA6478703.
Genomic context (GRCh38, chr12:21,471,459, plus strand): 5'-GAAAGAATAATGAATGAGTTTGTACATACTTAAGATACTGCTGTATTAGAAAGTGTGCAA[T>A]AATCTTCTCCAGATCTTCACGAGGAAGTGTGGGAGCCACAACACCTGCTACTCTCAGTTT-3'
Protein context (NP_002898.2, residues 536-556): TLPREDLEKI[Ile546Phe]AHFLIQQYLK

ClinVar aggregate classification (germline): Uncertain significance (1 of 4 stars; one submission).

Allele frequency attached by ClinVar (database versions not stated): ExAC 0.00001; gnomAD 0.00001; TOPMed 0.00001.

Submission:

Ambry Genetics
Classification: Uncertain significance. Last evaluated: 2024-03-24. Review status: criteria provided, single submitter. Criteria: Ambry Variant Classification Scheme 2023. Collection method: clinical testing. Allele origin: germline.
Comment: The p.I546F variant (also known as c.1636A>T), located in coding exon 12 of the RECQL gene, results from an A to T substitution at nucleotide position 1636. The isoleucine at codon 546 is replaced by phenylalanine, an amino acid with highly similar properties. This amino acid position is well conserved in available vertebrate species. In addition, this alteration is predicted to be tolerated by in silico analysis. Since supporting evidence is limited at this time, the clinical significance of this alteration remains unclear.